The following is an entry in ClinVar:

NM_004612.4(TGFBR1):c.613A>G (p.Ile205Val)

Gene: TGFBR1 (transforming growth factor beta receptor 1; plus strand). Cytogenetic location: 9q22.33.
Variant type: single nucleotide variant.
Coding change: c.613A>G on transcript NM_004612.4 (MANE Select); coding-DNA position 613, A replaced by G.
Protein change: p.Ile205Val; replaces isoleucine 205 with valine.
Molecular consequence: missense variant.
Genome position (GRCh38, 1-based): chr9:99,137,897, A>G. VCF-style: chr9-99137897-A-G. GRCh37 (hg19) VCF-style: chr9-101900179-A-G.
Other names: p.I205V:ATT>GTT; c.382A>G, p.Ile128Val (NM_001130916.3); c.625A>G, p.Ile209Val (NM_001306210.2); short protein forms I205V, I128V, I209V.
Identifiers: ClinVar variation 213899 (VCV000213899.38), dbSNP rs200018073, ClinGen allele CA324028.
Genomic context (GRCh38, chr9:99,137,897, plus strand): 5'-TACTATTTATTTTTACCTTTAGGTTTACCATTGCTTGTTCAGAGAACAATTGCGAGAACT[A>G]TTGTGTTACAAGAAAGCATTGGCAAAGGTCGATTTGGAGAAGTTTGGAGAGGAAAGTGGC-3'
Protein context (NP_004603.1, residues 195-215): LLVQRTIART[Ile205Val]VLQESIGKGR

ClinVar aggregate classification (germline): Uncertain significance. Review status: criteria provided, multiple submitters, no conflicts (2 of 4 stars). 13 submissions from 13 submitters: Uncertain significance (13). Last evaluated 2026-02-13.

Conditions:
Loeys-Dietz syndrome (LDS). Identifiers: Orphanet 60030, MedGen C2697932, MONDO:0018954.
Familial thoracic aortic aneurysm and aortic dissection (TAAD). Also called: Thoracic aortic aneurysms and dissections. Identifiers: Orphanet 91387, MedGen C4707243, MONDO:0019625.
Loeys-Dietz syndrome 1 (LDS1). Also called: AORTIC ANEURYSM, FAMILIAL THORACIC 5; FURLONG SYNDROME; TGFBR1-Related Loeys-Dietz Syndrome. Identifiers: Orphanet 60030, MedGen C4551955, MONDO:0012212, OMIM 609192.
Multiple self-healing squamous epithelioma (MSSE). Also called: MULTIPLE SELF-HEALING SQUAMOUS EPITHELIOMA, SUSCEPTIBILITY TO. Identifiers: Orphanet 65748, MedGen C0546476, MONDO:0007566, OMIM 132800.

Allele frequency attached by ClinVar (database versions not stated): gnomAD 0.00002; gnomAD exomes 0.00002 and 0.00005; TOPMed 0.00003.
gnomAD v4.1: 73 of 1,613,898 alleles (0.0045%); highest among the groups gnomAD compares: Non-Finnish European, 0.0058%; no homozygotes.

Submissions (13):

Women's Health and Genetics/Laboratory Corporation of America, LabCorp
Classification: Uncertain significance. Last evaluated: 2026-02-13. Review status: criteria provided, single submitter. Criteria: LabCorp Variant Classification Summary - May 2015. Collection method: clinical testing. Allele origin: germline.
Comment: Variant summary: TGFBR1 c.613A>G (p.Ile205Val) results in a conservative amino acid change in the encoded protein sequence. Algorithms developed to predict the effect of missense changes on protein structure and function are either unavailable or do not agree on the potential impact of this missense change. The variant allele was found at a frequency of 2.4e-05 in 251306 control chromosomes. The available data on variant occurrences in the general population are insufficient to allow any conclusion about variant significance. To our knowledge, no occurrence of c.613A>G in individuals affected with TGFBR1-related conditions and no experimental evidence demonstrating its impact on protein function have been reported. ClinVar contains an entry for this variant (Variation ID: 213899). Based on the evidence outlined above, the variant was classified as uncertain significance.

CeGaT Center for Human Genetics Tuebingen
Classification: Uncertain significance. Last evaluated: 2025-10-01. Review status: criteria provided, single submitter. Criteria: CeGaT Center For Human Genetics Tuebingen Variant Classification Criteria Version 2. Collection method: clinical testing. Allele origin: germline. Affected: yes. Observed: 1 variant allele.
Comment: TGFBR1: PM5:Supporting, PP2

Dasa
Classification: Uncertain significance. Last evaluated: 2025-08-21. Review status: criteria provided, single submitter. Criteria: DASA Assertion Criteria. Collection method: clinical testing. Allele origin: germline.
Comment: NM_004612.4(TGFBR1):c.613A>G (p.Ile205Val) is a missense variant that results in the substitution of isoleucine with valine. This variant is rare in population databases. The currently available literature and clinical evidence are not sufficient to establish a definitive association between this variant and the reported condition. Therefore, this variant is classified as a variant of uncertain significance.

Labcorp Genetics (formerly Invitae), Labcorp
Classification: Uncertain significance for Familial thoracic aortic aneurysm and aortic dissection. Last evaluated: 2025-07-23. Review status: criteria provided, single submitter. Criteria: Invitae Variant Classification Sherloc (09022015). Collection method: clinical testing. Allele origin: germline.
Comment: This sequence change replaces isoleucine, which is neutral and non-polar, with valine, which is neutral and non-polar, at codon 205 of the TGFBR1 protein (p.Ile205Val). This variant is present in population databases (rs200018073, gnomAD 0.005%). This variant has not been reported in the literature in individuals affected with TGFBR1-related conditions. ClinVar contains an entry for this variant (Variation ID: 213899). Invitae Evidence Modeling of protein sequence and biophysical properties (such as structural, functional, and spatial information, amino acid conservation, physicochemical variation, residue mobility, and thermodynamic stability) indicates that this missense variant is not expected to disrupt TGFBR1 protein function with a negative predictive value of 80%. In summary, the available evidence is currently insufficient to determine the role of this variant in disease. Therefore, it has been classified as a Variant of Uncertain Significance.

Blueprint Genetics
Classification: Uncertain significance. Last evaluated: 2024-03-27. Review status: criteria provided, single submitter. Criteria: ACMG Guidelines, 2015. Collection method: clinical testing. Allele origin: germline.

GeneDx
Classification: Uncertain significance. Last evaluated: 2024-02-06. Review status: criteria provided, single submitter. Criteria: GeneDx Variant Classification Process June 2021. Collection method: clinical testing. Allele origin: germline. Affected: yes.
Comment: Has not been previously published as pathogenic or benign to our knowledge; In silico analysis supports that this missense variant does not alter protein structure/function

All of Us Research Program, National Institutes of Health
Classification: Uncertain significance for Loeys-Dietz syndrome. Last evaluated: 2023-10-27. Review status: criteria provided, single submitter. Criteria: ACMG Guidelines, 2015. Collection method: clinical testing. Allele origin: germline. Inheritance: Autosomal dominant inheritance. Observed: 3 variant alleles, 3 heterozygotes.
Comment: This missense variant replaces isoleucine with valine at codon 205 of the TGFBR1 protein. Computational prediction is inconclusive regarding the impact of this variant on protein structure and function (internally defined REVEL score threshold 0.5 < inconclusive < 0.7, PMID: 27666373). To our knowledge, functional studies have not been reported for this variant. This variant has not been reported in individuals affected with cardiovascular disorders in the literature. This variant has been identified in 7/282706 chromosomes in the general population by the Genome Aggregation Database (gnomAD). The available evidence is insufficient to determine the role of this variant in disease conclusively. Therefore, this variant is classified as a Variant of Uncertain Significance.

This study involves interpretation of variants in research participants for the purpose of population health screening. Participant phenotype was not available at the time of variant classification. Additional details can be found in publication PMID: 35346344, PMCID: PMC8962531

Color Diagnostics, LLC DBA Color Health
Classification: Uncertain significance for Familial thoracic aortic aneurysm and aortic dissection. Last evaluated: 2023-07-24. Review status: criteria provided, single submitter. Criteria: ACMG Guidelines, 2015. Collection method: clinical testing. Allele origin: germline.
Comment: This missense variant replaces isoleucine with valine at codon 205 of the TGFBR1 protein. Computational prediction is inconclusive regarding the impact of this variant on protein structure and function (internally defined REVEL score threshold 0.5 < inconclusive < 0.7, PMID: 27666373). To our knowledge, functional studies have not been reported for this variant. This variant has not been reported in individuals affected with cardiovascular disorders in the literature. This variant has been identified in 7/282706 chromosomes in the general population by the Genome Aggregation Database (gnomAD). The available evidence is insufficient to determine the role of this variant in disease conclusively. Therefore, this variant is classified as a Variant of Uncertain Significance.

Fulgent Genetics
Classification: Uncertain significance for Multiple self-healing squamous epithelioma; Loeys-Dietz syndrome 1. Last evaluated: 2021-10-02. Review status: criteria provided, single submitter. Criteria: ACMG Guidelines, 2015. Collection method: clinical testing. Allele origin: unknown.

CHEO Genetics Diagnostic Laboratory, Children's Hospital of Eastern Ontario
Classification: Uncertain significance for Familial thoracic aortic aneurysm and aortic dissection. Last evaluated: 2021-09-29. Review status: criteria provided, single submitter. Criteria: ACMG Guidelines, 2015. Collection method: clinical testing. Allele origin: germline.

Cambridge Genomics Laboratory, East Genomic Laboratory Hub, NHS Genomic Medicine Service
Classification: Uncertain significance for Familial thoracic aortic aneurysm and aortic dissection. Last evaluated: 2020-01-11. Review status: criteria provided, single submitter. Criteria: ACGS Best Practice Guidelines for Variant Classification in Rare Disease 2020. Collection method: clinical testing. Allele origin: germline. Affected: yes. Observed: 1 variant allele.

Ambry Genetics
Classification: Uncertain significance for Familial thoracic aortic aneurysm and aortic dissection. Last evaluated: 2018-11-29. Review status: criteria provided, single submitter. Criteria: Ambry Variant Classification Scheme 2023. Collection method: clinical testing. Allele origin: germline.
Comment: The p.I205V variant (also known as c.613A>G), located in coding exon 4 of the TGFBR1 gene, results from an A to G substitution at nucleotide position 613. The isoleucine at codon 205 is replaced by valine, an amino acid with highly similar properties, and is in the protein kinase domain. Another alteration affecting this amino acid, p.I205M (c.615T>G), was reported in a study of clinical genetic testing; however, clinical details were limited (Pepin MG et al. Genet. Med., 2016 Jan;18:20-4). This amino acid position is highly conserved in available vertebrate species. In addition, the in silico prediction for this alteration is inconclusive. Since supporting evidence is limited at this time, the clinical significance of this alteration remains unclear.

Molecular Diagnostic Laboratory for Inherited Cardiovascular Disease, Montreal Heart Institute
Classification: Uncertain significance for Loeys-Dietz syndrome 1. Last evaluated: 2016-05-11. Review status: criteria provided, single submitter. Criteria: ACMG Guidelines, 2015. Collection method: clinical testing. Allele origin: germline. Affected: yes.

Literature cited by the submitters: PubMed 25834947 (cited by Ambry Genetics).